The following is an entry in ClinVar:

ClinVar aggregate classification (germline): Uncertain significance (1 of 4 stars; one submission).

Conditions:
Autosomal dominant hypocalcemia 1 (HYPOC1). Also called: HYPOCALCEMIA, FAMILIAL. Identifiers: MedGen C3715128, MONDO:0011013, OMIM 601198.
Familial hypocalciuric hypercalcemia (FHH). Also called: Familial benign hypercalcemia. Identifiers: Orphanet 405, MedGen C1809471, MONDO:0018458.

Submission:

Labcorp Genetics (formerly Invitae), Labcorp
Classification: Uncertain significance for Familial hypocalciuric hypercalcemia; Autosomal dominant hypocalcemia 1. Last evaluated: 2023-08-24. Review status: criteria provided, single submitter. Criteria: Invitae Variant Classification Sherloc (09022015). Collection method: clinical testing. Allele origin: germline.
Comment: In summary, the available evidence is currently insufficient to determine the role of this variant in disease. Therefore, it has been classified as a Variant of Uncertain Significance. An algorithm developed to predict the effect of missense changes on protein structure and function (PolyPhen-2) suggests that this variant is likely to be tolerated. This variant has not been reported in the literature in individuals affected with CASR-related conditions. This variant is not present in population databases (gnomAD no frequency). This sequence change replaces isoleucine, which is neutral and non-polar, with leucine, which is neutral and non-polar, at codon 761 of the CASR protein (p.Ile761Leu).

NM_000388.4(CASR):c.2281A>C (p.Ile761Leu)

Gene: CASR (calcium sensing receptor; plus strand). Cytogenetic location: 3q21.1.
Variant type: single nucleotide variant.
Coding change: c.2281A>C on transcript NM_000388.4 (MANE Select); coding-DNA position 2281, A replaced by C.
Protein change: p.Ile761Leu; replaces isoleucine 761 with leucine.
Molecular consequence: missense variant.
Genome position (GRCh38, 1-based): chr3:122,284,235, A>C. VCF-style: chr3-122284235-A-C. GRCh37 (hg19) VCF-style: chr3-122003082-A-C.
Other names: c.2311A>C, p.Ile771Leu (NM_001178065.2); short protein forms I771L, I761L.
Identifiers: ClinVar variation 2951255 (VCV002951255.3), dbSNP rs2473279195, ClinGen allele CA354159299.